The following is an entry in ClinVar:

ClinVar aggregate classification (germline): Pathogenic (1 of 4 stars; one submission).

Conditions:
Finnish congenital nephrotic syndrome (NPHS1). Also called: NEPHROTIC SYNDROME, TYPE 1. Identifiers: Orphanet 839, MedGen C0403399, MONDO:0009732, OMIM 256300.

Submission:

Myriad Genetics, Inc.
Classification: Pathogenic for Finnish congenital nephrotic syndrome. Last evaluated: 2023-09-27. Review status: criteria provided, single submitter. Criteria: Myriad Autosomal Dominant, Autosomal Recessive and X-Linked Classification Criteria (2023). Collection method: clinical testing. Allele origin: unknown.
Comment: NM_004646.3(NPHS1):c.434dupG(T146Hfs*25) is expected to be pathogenic in the context of nephrotic syndrome, NPHS1-related. This variant is predicted to lead to an abnormal or absent protein product due to the creation of a premature termination codon in NPHS1, a gene where loss-of-function variants are known to be pathogenic. Please note: this variant was assessed in the context of healthy population screening.

NM_004646.4(NPHS1):c.434dup (p.Thr146fs)

Gene: NPHS1 (NPHS1 adhesion molecule, nephrin; minus strand). Cytogenetic location: 19q13.12.
Variant type: Duplication.
Coding change: c.434dup on transcript NM_004646.4 (MANE Select); coding-DNA position 434, one base duplicated (G; older notation c.434dupG).
Protein change: p.Thr146fs; shifts the reading frame from threonine 146.
Molecular consequence: frameshift variant.
Genome position (GRCh38, 1-based): chr19:35,851,053, C duplicated on the plus strand (G on the coding strand, the reverse complement: NPHS1 is on the minus strand); the first of 2 consecutive C bases (chr19:35,851,053-35,851,054); duplicating either gives the same sequence. VCF-style (leftmost placement, unchanged base first): chr19-35851052-G-GC. GRCh37 (hg19) VCF-style: chr19-36341954-G-GC.
Other names: short protein forms T146fs.
Identifiers: ClinVar variation 5012202 (VCV005012202.1).